The following is an entry in ClinVar:

ClinVar aggregate classification (germline): Likely benign. Review status: criteria provided, single submitter (1 of 4 stars). 2 submissions from 2 submitters: Likely benign (1). 1 of the submissions does not count toward it. Last evaluated 2026-01-22.

Conditions:
Werner syndrome (WRN). Identifiers: Orphanet 902, MedGen C0043119, MONDO:0010196, OMIM 277700.
WRN-related disorder. Also called: WRN-related condition.

Allele frequency attached by ClinVar (database versions not stated): TOPMed 0.00002; ExAC 0.00004; gnomAD exomes 0.00004 and 0.00010; gnomAD 0.00005.
gnomAD v4.1: 152 of 1,613,956 alleles (0.0094%); highest among the groups gnomAD compares: Non-Finnish European, 0.013%; no homozygotes.

Submissions (2):

Labcorp Genetics (formerly Invitae), Labcorp
Classification: Likely benign for Werner syndrome. Last evaluated: 2026-01-22. Review status: criteria provided, single submitter. Criteria: Invitae Variant Classification Sherloc (09022015). Collection method: clinical testing. Allele origin: germline.

PreventionGenetics, part of Exact Sciences
Classification: Likely benign for WRN-related condition. Last evaluated: 2019-07-03. Review status: no assertion criteria provided. Collection method: clinical testing. Allele origin: germline. Not counted in ClinVar's aggregate classification.
Comment: This variant is classified as likely benign based on ACMG/AMP sequence variant interpretation guidelines (Richards et al. 2015 PMID: 25741868, with internal and published modifications).

NM_000553.6(WRN):c.3588A>G (p.Glu1196=)

Gene: WRN (WRN RecQ like helicase; plus strand). Cytogenetic location: 8p12.
Variant type: single nucleotide variant.
Coding change: c.3588A>G on transcript NM_000553.6 (MANE Select); coding-DNA position 3588, A replaced by G.
Protein change: p.Glu1196=; no amino-acid change (glutamic acid 1196 retained).
Molecular consequence: synonymous variant.
Genome position (GRCh38, 1-based): chr8:31,150,356, A>G. VCF-style: chr8-31150356-A-G. GRCh37 (hg19) VCF-style: chr8-31007872-A-G.
Identifiers: ClinVar variation 528215 (VCV000528215.12), dbSNP rs61761624, ClinGen allele CA4705126.
Genomic context (GRCh38, chr8:31,150,356, plus strand): 5'-GTTTCTTGACCTTTTTGTTGTTGTTGTTGTTGTTGTTAAACACAGACCAACTACGGTTGA[A>G]AACGTAAAAAGGATTGATGGTGTTTCTGAAGGCAAAGCTGCCATGTTGGCCCCTCTGTTG-3'
Protein context (NP_000544.2, residues 1186-1206): DMAKMRPTTV[Glu1196=]NVKRIDGVSE